The following is an entry in ClinVar:

ClinVar aggregate classification (germline): Conflicting classifications of pathogenicity. Review status: criteria provided, conflicting classifications (1 of 4 stars). 2 submissions from 2 submitters: Likely pathogenic (1); Uncertain significance (1). Last evaluated 2022-05-07.

Conditions:
Hearing impairment. Also called: Impaired Hearing. Identifiers: MedGen C1384666, MONDO:0005365, HP:0000365.

gnomAD v4.1: 3 of 1,610,734 alleles (0.00019%); highest among the groups gnomAD compares: Middle Eastern, 0.017%; no homozygotes.

Submissions (2):

Labcorp Genetics (formerly Invitae), Labcorp
Classification: Uncertain significance. Last evaluated: 2022-05-07. Review status: criteria provided, single submitter. Criteria: Invitae Variant Classification Sherloc (09022015). Collection method: clinical testing. Allele origin: germline.
Comment: This sequence change replaces glycine, which is neutral and non-polar, with alanine, which is neutral and non-polar, at codon 1093 of the COL11A1 protein (p.Gly1093Ala). This variant is not present in population databases (gnomAD no frequency). In summary, the available evidence is currently insufficient to determine the role of this variant in disease. Therefore, it has been classified as a Variant of Uncertain Significance. Algorithms developed to predict the effect of missense changes on protein structure and function are either unavailable or do not agree on the potential impact of this missense change (SIFT: "Deleterious"; PolyPhen-2: "Not Available"; Align-GVGD: "Class C55"). ClinVar contains an entry for this variant (Variation ID: 1064930). This variant has not been reported in the literature in individuals affected with COL11A1-related conditions.

Department of Otolaryngology – Head & Neck Surgery, Cochlear Implant Center
Classification: Likely pathogenic for Hearing impairment. Last evaluated: 2021-04-12. Review status: criteria provided, single submitter. Criteria: ClinGen HL ACMG Specifications v1. Collection method: clinical testing. Allele origin: germline. Affected: yes.
Comment: PM1_Moderate, PM2_Moderate, PP3_Strong

NM_001854.4(COL11A1):c.3278G>C (p.Gly1093Ala)

Gene: COL11A1 (collagen type XI alpha 1 chain; minus strand). Cytogenetic location: 1p21.1.
Variant type: single nucleotide variant.
Coding change: c.3278G>C on transcript NM_001854.4 (MANE Select); coding-DNA position 3278, G replaced by C.
Protein change: p.Gly1093Ala; replaces glycine 1093 with alanine.
Molecular consequence: missense variant. On other transcripts: non-coding transcript variant (1).
Genome position (GRCh38, 1-based): chr1:102,940,433, C>G on the plus strand (G>C on the coding strand, the complement: COL11A1 is on the minus strand). VCF-style: chr1-102940433-C-G. GRCh37 (hg19) VCF-style: chr1-103405989-C-G.
Other names: c.3161G>C, p.Gly1054Ala (NM_001190709.2); c.3314G>C, p.Gly1105Ala (NM_080629.3); c.2930G>C, p.Gly977Ala (NM_080630.4); short protein forms G1054A, G1093A, G1105A, G977A.
Identifiers: ClinVar variation 1064930 (VCV001064930.8), dbSNP rs1477374848, ClinGen allele CA341170093.